The following is an entry in ClinVar:

NM_203447.4(DOCK8):c.*845T>C

Gene: DOCK8 (dedicator of cytokinesis 8; plus strand). Cytogenetic location: 9p24.3.
Variant type: single nucleotide variant.
Coding change: c.*845T>C on transcript NM_203447.4 (MANE Select); 845 bases downstream of the stop codon, T replaced by C.
Molecular consequence: 3 prime UTR variant.
Genome position (GRCh38, 1-based): chr9:465,064, T>C. VCF-style: chr9-465064-T-C. GRCh37 (hg19) VCF-style: chr9-465064-T-C.
Other names: c.*845T>C (NM_001190458.2, NM_001193536.2).
Identifiers: ClinVar variation 367104 (VCV000367104.5), dbSNP rs10157, ClinGen allele CA10633851.
Genomic context (GRCh38, chr9:465,064, plus strand): 5'-ATCTATTTTTCTCCTCTCTGGGACCAAGTTTCTTTTTATAAAGCAATAATATCTCTGTTT[T>C]CATTTCAGAACATTGTGCTGTCTGTCAGCATATGTATATCAGCTACAAAATATATTCAAC-3'

ClinVar aggregate classification (germline): Benign (1 of 4 stars; one submission).

Conditions:
Combined immunodeficiency due to DOCK8 deficiency (HIES2). Also called: HIES autosomal recessive; Hyper-IgE recurrent infection syndrome, autosomal recessive; HYPER-IgE RECURRENT INFECTION SYNDROME 2, AUTOSOMAL RECESSIVE; HYPER-IgE SYNDROME 2, AUTOSOMAL RECESSIVE, WITH RECURRENT INFECTIONS; DOCK8 Deficiency. Identifiers: Orphanet 217390, MedGen C4722305, MONDO:0009478, OMIM 243700.

Allele frequency attached by ClinVar (database versions not stated): gnomAD 0.00644 and 0.00683; 1000 Genomes Project 30x 0.00687; TOPMed 0.00706; 1000 Genomes Project 0.00719.

Submission:

Illumina Laboratory Services, Illumina
Classification: Benign for Combined immunodeficiency due to DOCK8 deficiency. Last evaluated: 2018-01-13. Review status: criteria provided, single submitter. Criteria: ICSL Variant Classification Criteria 13 December 2019. Collection method: clinical testing. Allele origin: germline.
Comment: This variant was observed in the ICSL laboratory as part of a predisposition screen in an ostensibly healthy population. It had not been previously curated by ICSL or reported in the Human Gene Mutation Database (HGMD: prior to June 1st, 2018), and was therefore a candidate for classification through an automated scoring system. Utilizing variant allele frequency, disease prevalence and penetrance estimates, and inheritance mode, an automated score was calculated to assess if this variant is too frequent to cause the disease. Based on the score and internal cut-off values, a variant classified as benign is not then subjected to further curation. The score for this variant resulted in a classification of benign for this disease.